The following is an entry in ClinVar:

ClinVar aggregate classification (germline): Conflicting classifications of pathogenicity. Review status: criteria provided, conflicting classifications (1 of 4 stars). 3 submissions from 3 submitters: Pathogenic (1); Uncertain significance (1). 1 of the submissions does not count toward it. Last evaluated 2024-10-14.

Conditions:
Frontotemporal dementia and/or amyotrophic lateral sclerosis 8. Identifiers: MedGen C5436881, MONDO:0030872, OMIM 619132.

Submissions (3):

Victorian Clinical Genetics Services, Murdoch Childrens Research Institute
Classification: Uncertain significance for Frontotemporal dementia and/or amyotrophic lateral sclerosis 8. Last evaluated: 2024-10-14. Review status: criteria provided, single submitter. Criteria: ACMG Guidelines, 2015. Collection method: clinical testing. Allele origin: germline. Affected: yes.
Comment: This variant is classified as VUS-3A. Evidence in support of pathogenic classification: Variant is absent from gnomAD (v2, v3 and v4); This variant has strong evidence for segregation with disease. This variant has been shown to segregate with Alzheimer's disease and/or frontotemporal dementia/amyotrophic lateral sclerosis in this family (PMID: 32185393, 23338750); This variant has moderate functional evidence supporting abnormal protein function. In vitro assays demonstrated an increase in deubiquitinase activities and enhanced inhibition of NFKB (PMID: 32185393). Additional information: Variant is predicted to result in a missense amino acid change from methionine to valine; This variant is heterozygous; This gene is associated with autosomal dominant disease. An autosomal dominant association has also been suggested for frontotemporal dementia and/or amyotrophic lateral sclerosis 8 (MIM#619132); however, supporting evidence is currently limited; This variant has no previous evidence of pathogenicity in unrelated individuals. No comparable missense variants have previous evidence for pathogenicity; Variant is located in the annotated ubiquitin carboxyl-terminal hydrolase domain (DECIPHER); Missense variant with conflicting in silico predictions and uninformative conservation; Loss of function is a known mechanism of disease in this gene and is associated with Brooke-Spiegler syndrome (MONDO:0011512). A gain of function mechanism is suspected for frontotemporal dementia and/or amyotrophic lateral sclerosis 8 (MIM#619132); Variants in this gene are known to have variable expressivity. Intrafamilial variability has been observed in at least two families with familial cylindromatosis (PMID: 32298062); Inheritance information for this variant is not currently available in this individual.

Genetics and Molecular Pathology, SA Pathology
Classification: Pathogenic for Frontotemporal dementia and/or amyotrophic lateral sclerosis 8. Last evaluated: 2021-11-10. Review status: criteria provided, single submitter. Criteria: ACMG Guidelines, 2015. Collection method: clinical testing. Allele origin: germline. Affected: yes.

OMIM
Classification: Pathogenic for FRONTOTEMPORAL DEMENTIA AND/OR AMYOTROPHIC LATERAL SCLEROSIS 8 (1 family). Last evaluated: 2026-09-23. Review status: no assertion criteria provided. Collection method: literature only. Allele origin: germline. Not counted in ClinVar's aggregate classification.

Literature cited by the submitters: PubMed 32298062 (cited by Victorian Clinical Genetics Services, Murdoch Childrens Research Institute); PubMed 32185393 (cited by Victorian Clinical Genetics Services, Murdoch Childrens Research Institute and OMIM); PubMed 23338750 (cited by Victorian Clinical Genetics Services, Murdoch Childrens Research Institute and OMIM).

NM_001378743.1(CYLD):c.2155A>G (p.Met719Val)

Genes: CYLD (CYLD lysine 63 deubiquitinase; plus strand), CYLD-AS2 (CYLD antisense RNA 2; minus strand). Cytogenetic location: 16q12.1.
Variant type: single nucleotide variant.
Coding change: c.2155A>G on transcript NM_001378743.1 (MANE Select); coding-DNA position 2155, A replaced by G.
Protein change: p.Met719Val; replaces methionine 719 with valine.
Molecular consequence: missense variant. On other transcripts: non-coding transcript variant (1).
Genome position (GRCh38, 1-based): chr16:50,791,604, A>G. VCF-style: chr16-50791604-A-G. GRCh37 (hg19) VCF-style: chr16-50825515-A-G.
Other names: c.2146A>G, p.Met716Val (NM_001042355.2, NM_001042412.3, NM_001378744.1 and 6 more transcripts); c.2116A>G, p.Met706Val (NM_001378751.1, NM_001378752.1, NM_001378753.1); c.1480A>G, p.Met494Val (NM_001378754.1, NM_001378755.1); c.2155A>G, p.Met719Val (NM_015247.3); short protein forms M719V, M494V, M706V, M716V.
Identifiers: ClinVar variation 992597 (VCV000992597.9), dbSNP rs1971438573, ClinGen allele CA395878910.